The following is an entry in ClinVar:

ClinVar aggregate classification (germline): Uncertain significance. Review status: criteria provided, multiple submitters, no conflicts (2 of 4 stars). 2 submissions from 2 submitters: Uncertain significance (2). Last evaluated 2025-05-14.

Allele frequency attached by ClinVar (database versions not stated): ExAC 0.00001; gnomAD exomes 0.00002; gnomAD 0.00006 and 0.00008; TOPMed 0.00008.
gnomAD v4.1: 25 of 1,613,008 alleles (0.0015%); highest among the groups gnomAD compares: African/African-American, 0.029%; no homozygotes.

Submissions (2):

Ambry Genetics
Classification: Uncertain significance. Last evaluated: 2025-05-14. Review status: criteria provided, single submitter. Criteria: Ambry Variant Classification Scheme 2023. Collection method: clinical testing. Allele origin: germline.

Labcorp Genetics (formerly Invitae), Labcorp
Classification: Uncertain significance. Last evaluated: 2023-05-22. Review status: criteria provided, single submitter. Criteria: Invitae Variant Classification Sherloc (09022015). Collection method: clinical testing. Allele origin: germline.
Comment: In summary, the available evidence is currently insufficient to determine the role of this variant in disease. Therefore, it has been classified as a Variant of Uncertain Significance. Experimental studies and prediction algorithms are not available or were not evaluated, and the functional significance of this variant is currently unknown. ClinVar contains an entry for this variant (Variation ID: 1051809). This variant has not been reported in the literature in individuals affected with KIAA1161-related conditions. This variant is present in population databases (rs770621275, gnomAD 0.02%). This sequence change replaces tryptophan, which is neutral and slightly polar, with glycine, which is neutral and non-polar, at codon 75 of the KIAA1161 protein (p.Trp75Gly).

NM_020702.5(MYORG):c.223T>G (p.Trp75Gly)

Gene: MYORG (myogenesis regulating glycosidase; minus strand). Cytogenetic location: 9p13.3.
Variant type: single nucleotide variant.
Coding change: c.223T>G on transcript NM_020702.5 (MANE Select); coding-DNA position 223, T replaced by G.
Protein change: p.Trp75Gly; replaces tryptophan 75 with glycine.
Molecular consequence: missense variant.
Genome position (GRCh38, 1-based): chr9:34,372,721, A>C on the plus strand (T>G on the coding strand, the complement: MYORG is on the minus strand). VCF-style: chr9-34372721-A-C. GRCh37 (hg19) VCF-style: chr9-34372719-A-C.
Other names: c.223T>G (NM_020702.3); short protein forms W75G.
Identifiers: ClinVar variation 1051809 (VCV001051809.12), dbSNP rs770621275, ClinGen allele CA5033211.
Genomic context (GRCh38, chr9:34,372,721, plus strand): 5'-GGTCCAGCAGCTCCGCGCGAAGTCGCTCCGCCTTGCGTAGGGAGACGCTGTAGTAGCACC[A>C]GGCCACCACCGCGGCCAGCACAAGCAGCAGCCCCAGAACCGCGGAGCCCAGCAGCGGCTT-3'
Protein context (NP_065753.2, residues 65-85): LLLVLAAVVA[Trp75Gly]CYYSVSLRKA